The following is an entry in ClinVar:

NM_001042492.3(NF1):c.1482G>T (p.Leu494Phe)

Gene: NF1 (neurofibromin 1; plus strand). Cytogenetic location: 17q11.2.
Variant type: single nucleotide variant.
Coding change: c.1482G>T on transcript NM_001042492.3 (MANE Select); coding-DNA position 1482, G replaced by T.
Protein change: p.Leu494Phe; replaces leucine 494 with phenylalanine.
Molecular consequence: missense variant.
Genome position (GRCh38, 1-based): chr17:31,214,540, G>T. VCF-style: chr17-31214540-G-T. GRCh37 (hg19) VCF-style: chr17-29541558-G-T.
Other names: c.1482G>T, p.Leu494Phe (NM_000267.4, NM_001128147.3); short protein forms L494F.
Identifiers: ClinVar variation 1722250 (VCV001722250.5), dbSNP rs2143959940, ClinGen allele CA399001608.
Genomic context (GRCh38, chr17:31,214,540, plus strand): 5'-CCTTAAATTTAAAGAAAAACCTACAGACCTGGAGACAAGAAGCTATAAGTATCTTCTCTT[G>T]TCCATGGTGAAACTAATTCATGCAGATCCAAAGCTCTTGCTTTGTGTAAGTATTTTTTTA-3'
Protein context (NP_001035957.1, residues 484-504): LETRSYKYLL[Leu494Phe]SMVKLIHADP

ClinVar aggregate classification (germline): Uncertain significance (1 of 4 stars; one submission).

Conditions:
Neurofibromatosis, type 1 (NF1). Also called: Neurofibromatosis, type I; VON RECKLINGHAUSEN DISEASE; NEUROFIBROMATOSIS, TYPE I, SOMATIC; Peripheral type neurofibromatosis. Identifiers: Orphanet 636, MedGen C0027831, MONDO:0018975, OMIM 162200. Disease mechanism: loss of function.

Submission:

Labcorp Genetics (formerly Invitae), Labcorp
Classification: Uncertain significance for Neurofibromatosis, type 1. Last evaluated: 2022-07-22. Review status: criteria provided, single submitter. Criteria: Invitae Variant Classification Sherloc (09022015). Collection method: clinical testing. Allele origin: germline.
Comment: In summary, the available evidence is currently insufficient to determine the role of this variant in disease. Therefore, it has been classified as a Variant of Uncertain Significance. Algorithms developed to predict the effect of missense changes on protein structure and function are either unavailable or do not agree on the potential impact of this missense change (SIFT: "Tolerated"; PolyPhen-2: "Probably Damaging"; Align-GVGD: "Class C0"). This sequence change replaces leucine, which is neutral and non-polar, with phenylalanine, which is neutral and non-polar, at codon 494 of the NF1 protein (p.Leu494Phe). This variant is not present in population databases (gnomAD no frequency). This variant has not been reported in the literature in individuals affected with NF1-related conditions.